The following is an entry in ClinVar:

ClinVar aggregate classification (germline): Uncertain significance (1 of 4 stars; one submission).

Submission:

GeneDx
Classification: Uncertain significance. Last evaluated: 2025-03-08. Review status: criteria provided, single submitter. Criteria: GeneDx Variant Classification Process June 2021. Collection method: clinical testing. Allele origin: germline. Affected: yes.
Comment: Not observed at significant frequency in large population cohorts (gnomAD); In silico analysis supports that this missense variant has a deleterious effect on protein structure/function; Has not been previously published as pathogenic or benign to our knowledge

NM_001111.5(ADAR):c.2603T>C (p.Ile868Thr)

Genes: ADAR (adenosine deaminase RNA specific; minus strand), LOC126805874 (CDK7 strongly-dependent group 2 enhancer GRCh37_chr1:154561176-154562375; plus strand). Cytogenetic location: 1q21.3.
Variant type: single nucleotide variant.
Coding change: c.2603T>C on transcript NM_001111.5 (MANE Select); coding-DNA position 2603, T replaced by C.
Protein change: p.Ile868Thr; replaces isoleucine 868 with threonine.
Molecular consequence: missense variant.
Genome position (GRCh38, 1-based): chr1:154,589,822, A>G on the plus strand (T>C on the coding strand, the complement: ADAR is on the minus strand). VCF-style: chr1-154589822-A-G. GRCh37 (hg19) VCF-style: chr1-154562298-A-G.
Other names: c.1718T>C, p.Ile573Thr (NM_001025107.3, NM_001193495.2, NM_001365046.1 and 2 more transcripts); c.2630T>C, p.Ile877Thr (NM_001365045.1); c.1640T>C, p.Ile547Thr (NM_001365049.1); c.2525T>C, p.Ile842Thr (NM_015840.4); c.2468T>C, p.Ile823Thr (NM_015841.4); short protein forms I547T, I573T, I823T, I842T, I868T, I877T.
Identifiers: ClinVar variation 4083075 (VCV004083075.1).